The following is an entry in ClinVar:

ClinVar aggregate classification (germline): Uncertain significance (1 of 4 stars; one submission).

Submission:

Ambry Genetics
Classification: Uncertain significance. Last evaluated: 2024-07-23. Review status: criteria provided, single submitter. Criteria: Ambry Variant Classification Scheme 2023. Collection method: clinical testing. Allele origin: germline.
Comment: The p.K2103I variant (also known as c.6308A>T), located in coding exon 20 of the POLQ gene, results from an A to T substitution at nucleotide position 6308. The lysine at codon 2103 is replaced by isoleucine, an amino acid with dissimilar properties. This amino acid position is conserved. In addition, this alteration is predicted to be tolerated by in silico analysis. Based on the available evidence, the clinical significance of this variant remains unclear.

NM_199420.4(POLQ):c.6308A>T (p.Lys2103Ile)

Gene: POLQ (DNA polymerase theta; minus strand). Cytogenetic location: 3q13.33.
Variant type: single nucleotide variant.
Coding change: c.6308A>T on transcript NM_199420.4 (MANE Select); coding-DNA position 6308, A replaced by T.
Protein change: p.Lys2103Ile; replaces lysine 2103 with isoleucine.
Molecular consequence: missense variant.
Genome position (GRCh38, 1-based): chr3:121,476,637, T>A on the plus strand (A>T on the coding strand, the complement: POLQ is on the minus strand). VCF-style: chr3-121476637-T-A. GRCh37 (hg19) VCF-style: chr3-121195484-T-A.
Other names: short protein forms K2103I.
Identifiers: ClinVar variation 3422465 (VCV003422465.1).